The following is an entry in ClinVar:

NM_030777.4(SLC2A10):c.976G>C (p.Gly326Arg)

Gene: SLC2A10 (solute carrier family 2 member 10; plus strand). Cytogenetic location: 20q13.12.
Variant type: single nucleotide variant.
Coding change: c.976G>C on transcript NM_030777.4 (MANE Select); coding-DNA position 976, G replaced by C.
Protein change: p.Gly326Arg; replaces glycine 326 with arginine.
Molecular consequence: missense variant.
Genome position (GRCh38, 1-based): chr20:46,726,012, G>C. VCF-style: chr20-46726012-G-C. GRCh37 (hg19) VCF-style: chr20-45354651-G-C.
Other names: short protein forms G326R.
Identifiers: ClinVar variation 1394707 (VCV001394707.7), dbSNP rs1445963609, ClinGen allele CA409268789.

ClinVar aggregate classification (germline): Uncertain significance (1 of 4 stars; one submission).

Conditions:
Arterial tortuosity syndrome (ATORS). Identifiers: Orphanet 3342, MedGen C1859726, MONDO:0008818, OMIM 208050.

Allele frequency attached by ClinVar (database versions not stated): gnomAD exomes below 0.00001; TOPMed below 0.00001.

Submission:

Labcorp Genetics (formerly Invitae), Labcorp
Classification: Uncertain significance for Arterial tortuosity syndrome. Last evaluated: 2021-09-01. Review status: criteria provided, single submitter. Criteria: Invitae Variant Classification Sherloc (09022015). Collection method: clinical testing. Allele origin: germline.
Comment: This sequence change replaces glycine with arginine at codon 326 of the SLC2A10 protein (p.Gly326Arg). The glycine residue is moderately conserved and there is a moderate physicochemical difference between glycine and arginine. This variant is not present in population databases (ExAC no frequency). This variant has not been reported in the literature in individuals affected with SLC2A10-related conditions. Advanced modeling of protein sequence and biophysical properties (such as structural, functional, and spatial information, amino acid conservation, physicochemical variation, residue mobility, and thermodynamic stability) performed at Invitae indicates that this missense variant is not expected to disrupt SLC2A10 protein function. In summary, the available evidence is currently insufficient to determine the role of this variant in disease. Therefore, it has been classified as a Variant of Uncertain Significance.